The following is an entry in ClinVar:

NM_052845.4(MMAB):c.638T>G (p.Leu213Ter)

Gene: MMAB (metabolism of cobalamin associated B; minus strand). Cytogenetic location: 12q24.11.
Variant type: single nucleotide variant.
Coding change: c.638T>G on transcript NM_052845.4 (MANE Select); coding-DNA position 638, T replaced by G.
Protein change: p.Leu213Ter; replaces leucine 213 with a stop codon.
Molecular consequence: nonsense. On other transcripts: non-coding transcript variant (1).
Genome position (GRCh38, 1-based): chr12:109,559,102, A>C on the plus strand (T>G on the coding strand, the complement: MMAB is on the minus strand). VCF-style: chr12-109559102-A-C. GRCh37 (hg19) VCF-style: chr12-109996907-A-C.
Other names: short protein forms L213*.
Identifiers: ClinVar variation 1454399 (VCV001454399.6), dbSNP rs2136195113, ClinGen allele CA386636074.

ClinVar aggregate classification (germline): Pathogenic (1 of 4 stars; one submission).

Conditions:
Methylmalonic aciduria, cblB type (MACB). Also called: Methylmalonic acidemia cblB type; Vitamin B12-responsive methylmalonic acidemia type cblB; METHYLMALONIC ACIDURIA, VITAMIN B12-RESPONSIVE, DUE TO DEFECT IN SYNTHESIS OF ADENOSYLCOBALAMIN, cblB TYPE. Identifiers: Orphanet 28, Orphanet 79311, MedGen C1855102, MONDO:0009614, OMIM 251110.

Submission:

Labcorp Genetics (formerly Invitae), Labcorp
Classification: Pathogenic for Methylmalonic aciduria, cblB type. Last evaluated: 2021-08-02. Review status: criteria provided, single submitter. Criteria: Invitae Variant Classification Sherloc (09022015). Collection method: clinical testing. Allele origin: germline.
Comment: For these reasons, this variant has been classified as Pathogenic. This variant disrupts a region of the MMAB protein in which other variant(s) (p.Gln234*) have been determined to be pathogenic (PMID: 16410054, 21604717). This suggests that this is a clinically significant region of the protein, and that variants that disrupt it are likely to be disease-causing. This variant has not been reported in the literature in individuals affected with MMAB-related conditions. This variant is not present in population databases (ExAC no frequency). This sequence change creates a premature translational stop signal (p.Leu213*) in the MMAB gene. While this is not anticipated to result in nonsense mediated decay, it is expected to disrupt the last 38 amino acid(s) of the MMAB protein.

Literature cited by the submitters: PubMed 16410054; PubMed 21604717.